The following is an entry in ClinVar:

NM_000069.3(CACNA1S):c.2468G>A (p.Arg823Gln)

Gene: CACNA1S (calcium voltage-gated channel subunit alpha1 S; minus strand). Cytogenetic location: 1q32.1.
Variant type: single nucleotide variant.
Coding change: c.2468G>A on transcript NM_000069.3 (MANE Select); coding-DNA position 2468, G replaced by A.
Protein change: p.Arg823Gln; replaces arginine 823 with glutamine.
Molecular consequence: missense variant.
Genome position (GRCh38, 1-based): chr1:201,069,494, C>T on the plus strand (G>A on the coding strand, the complement: CACNA1S is on the minus strand). VCF-style: chr1-201069494-C-T. GRCh37 (hg19) VCF-style: chr1-201038622-C-T.
Other names: short protein forms R823Q.
Identifiers: ClinVar variation 969153 (VCV000969153.15), dbSNP rs553619980, ClinGen allele CA079006.
Genomic context (GRCh38, chr1:201,069,494, plus strand): 5'-CAGGGGTGCTGAGTGGCAGAGAGGGTGAAGCCCGTCACCTGATTTCTCATGGAATCAGCC[C>T]GGATGGGGTCTTCCGCAGCCAGTGCAGCGCTGCTGAGCAGGATGAAGAGCAGGATGAAGT-3'
Protein context (NP_000060.2, residues 813-833): SAALAAEDPI[Arg823Gln]ADSMRNQILK

ClinVar aggregate classification (germline): Conflicting classifications of pathogenicity. Review status: criteria provided, conflicting classifications (1 of 4 stars). 4 submissions from 4 submitters: Uncertain significance (3); Benign (1). Last evaluated 2026-01-07.

Conditions:
Malignant hyperthermia, susceptibility to, 5 (MHS5). Also called: CACNA1S-Related Malignant Hyperthermia Susceptibility. Identifiers: Orphanet 423, MedGen C1866077, MONDO:0011163, OMIM 601887.
Hypokalemic periodic paralysis, type 1. Also called: Hypokalemic Periodic Paralysis Type 1 (AD); HypoPP. Identifiers: Orphanet 681, MedGen C3714580, MONDO:0042979, OMIM 170400.
Inborn genetic diseases. Identifiers: MedGen C0950123, MeSH D030342.

Allele frequency attached by ClinVar (database versions not stated): gnomAD exomes 0.00003 and 0.00004; ExAC 0.00004; gnomAD 0.00006; TOPMed 0.00007.
gnomAD v4.1: 50 of 1,602,084 alleles (0.0031%); highest among the groups gnomAD compares: African/African-American, 0.024%; no homozygotes.

Submissions (4):

Labcorp Genetics (formerly Invitae), Labcorp
Classification: Benign for Hypokalemic periodic paralysis, type 1; Malignant hyperthermia, susceptibility to, 5. Last evaluated: 2026-01-07. Review status: criteria provided, single submitter. Criteria: Invitae Variant Classification Sherloc (09022015). Collection method: clinical testing. Allele origin: germline.

Ambry Genetics
Classification: Uncertain significance for Inborn genetic diseases. Last evaluated: 2024-12-03. Review status: criteria provided, single submitter. Criteria: Ambry Variant Classification Scheme 2023. Collection method: clinical testing. Allele origin: germline.

Color Diagnostics, LLC DBA Color Health
Classification: Uncertain significance for Malignant hyperthermia, susceptibility to, 5. Last evaluated: 2024-04-10. Review status: criteria provided, single submitter. Criteria: ACMG Guidelines, 2015. Collection method: clinical testing. Allele origin: germline.
Comment: This missense variant replaces arginine with glutamine at codon 823 of the CACNA1S protein. Computational prediction suggests that this variant may not impact protein structure and function. To our knowledge, functional studies have not been reported for this variant. This variant has not been reported in individuals affected with CACNA1S-related disorders in the literature. This variant has been identified in 9/256720 chromosomes in the general population by the Genome Aggregation Database (gnomAD). The available evidence is insufficient to determine the role of this variant in disease conclusively. Therefore, this variant is classified as a Variant of Uncertain Significance.

Revvity Omics, Revvity
Classification: Uncertain significance. Last evaluated: 2022-05-12. Review status: criteria provided, single submitter. Criteria: ACMG Guidelines, 2015. Collection method: clinical testing. Allele origin: germline.